The following is an entry in ClinVar:

NM_000260.4(MYO7A):c.2488C>T (p.Arg830Cys)

Gene: MYO7A (myosin VIIA; plus strand). Cytogenetic location: 11q13.5.
Variant type: single nucleotide variant.
Coding change: c.2488C>T on transcript NM_000260.4 (MANE Select); coding-DNA position 2488, C replaced by T.
Protein change: p.Arg830Cys; replaces arginine 830 with cysteine.
Molecular consequence: missense variant.
Genome position (GRCh38, 1-based): chr11:77,179,855, C>T. VCF-style: chr11-77179855-C-T. GRCh37 (hg19) VCF-style: chr11-76890901-C-T.
Other names: c.2488C>T, p.Arg830Cys (NM_001127180.2); c.2455C>T, p.Arg819Cys (NM_001369365.1); short protein forms R830C, R819C.
Identifiers: ClinVar variation 164681 (VCV000164681.10), dbSNP rs797044493, ClinGen allele CA177382.

ClinVar aggregate classification (germline): Uncertain significance. Review status: criteria provided, multiple submitters, no conflicts (2 of 4 stars). 5 submissions from 5 submitters: Uncertain significance (3). 2 of the submissions do not count toward it. Last evaluated 2024-09-15.

Conditions:
Usher syndrome type 1B (USH1B). Also called: Usher syndrome type IB. Identifiers: MedGen C1848638, MONDO:0700087.
Usher syndrome type 1 (USH1). Also called: RETINITIS PIGMENTOSA AND CONGENITAL DEAFNESS. Identifiers: Orphanet 231169, Orphanet 886, MedGen C1568247, MONDO:0010168, OMIM 276900.
Autosomal recessive nonsyndromic hearing loss 2. Also called: NEUROSENSORY NONSYNDROMIC RECESSIVE DEAFNESS 2; DEAFNESS, AUTOSOMAL RECESSIVE 2. Identifiers: Orphanet 90636, MedGen C1838701, MONDO:0010807, OMIM 600060.

Allele frequency attached by ClinVar (database versions not stated): TOPMed 0.00001.
gnomAD v4.1: 28 of 1,542,010 alleles (0.0018%); highest among the groups gnomAD compares: East Asian, 0.0024%; no homozygotes.

Submissions (5):

Labcorp Genetics (formerly Invitae), Labcorp
Classification: Uncertain significance. Last evaluated: 2024-09-15. Review status: criteria provided, single submitter. Criteria: Invitae Variant Classification Sherloc (09022015). Collection method: clinical testing. Allele origin: germline.
Comment: This sequence change replaces arginine, which is basic and polar, with cysteine, which is neutral and slightly polar, at codon 830 of the MYO7A protein (p.Arg830Cys). The frequency data for this variant in the population databases is considered unreliable, as metrics indicate poor data quality at this position in the gnomAD database. This variant has not been reported in the literature in individuals affected with MYO7A-related conditions. ClinVar contains an entry for this variant (Variation ID: 164681). Invitae Evidence Modeling of protein sequence and biophysical properties (such as structural, functional, and spatial information, amino acid conservation, physicochemical variation, residue mobility, and thermodynamic stability) indicates that this missense variant is expected to disrupt MYO7A protein function with a positive predictive value of 95%. In summary, the available evidence is currently insufficient to determine the role of this variant in disease. Therefore, it has been classified as a Variant of Uncertain Significance.

Blueprint Genetics
Classification: Uncertain significance. Last evaluated: 2022-06-10. Review status: criteria provided, single submitter. Criteria: ACMG Guidelines, 2015. Collection method: clinical testing. Allele origin: germline.

Laboratory for Molecular Medicine, Mass General Brigham Personalized Medicine
Classification: Uncertain significance. Last evaluated: 2014-09-04. Review status: criteria provided, single submitter. Criteria: LMM Criteria. Collection method: clinical testing. Allele origin: germline. Observed: 1 variant allele.
Comment: The Arg830Cys variant in MYO7A has not been previously reported in individuals w ith hearing loss and data from large population studies is insufficient to asses s the frequency of this variant. Computational prediction tools and conservation analysis suggest that this variant may impact the protein, though this informat ion is not predictive enough to determine pathogenicity. In summary, the clinica l significance of the Arg830Cys variant is uncertain.

Natera, Inc.
Classification: Uncertain significance for Usher syndrome type 1B. Last evaluated: 2020-03-10. Review status: no assertion criteria provided. Collection method: clinical testing. Allele origin: germline. Not counted in ClinVar's aggregate classification.

Counsyl
Classification: Uncertain significance for Usher syndrome type 1; Autosomal recessive nonsyndromic hearing loss 2. Last evaluated: 2017-10-19. Review status: no assertion criteria provided. Collection method: clinical testing. Allele origin: unknown. Not counted in ClinVar's aggregate classification.